The following is an entry in ClinVar:

NM_001365536.1(SCN9A):c.2517G>T (p.Leu839=)

Genes: SCN1A-AS1 (SCN1A and SCN9A antisense RNA 1; plus strand), SCN9A (sodium voltage-gated channel alpha subunit 9; minus strand). Cytogenetic location: 2q24.3.
Variant type: single nucleotide variant.
Coding change: c.2517G>T on transcript NM_001365536.1 (MANE Select); coding-DNA position 2517, G replaced by T.
Protein change: p.Leu839=; no amino-acid change (leucine 839 retained).
Molecular consequence: synonymous variant.
Genome position (GRCh38, 1-based): chr2:166,278,140, C>A on the plus strand (G>T on the coding strand, the complement: SCN9A is on the minus strand). VCF-style: chr2-166278140-C-A. GRCh37 (hg19) VCF-style: chr2-167134650-C-A.
Other names: c.2484G>T, p.Leu828= (NM_002977.4).
Identifiers: ClinVar variation 985286 (VCV000985286.9), dbSNP rs766730954, ClinGen allele CA1944262.

ClinVar aggregate classification (germline): Conflicting classifications of pathogenicity. Review status: criteria provided, conflicting classifications (1 of 4 stars). 2 submissions from 2 submitters: Likely pathogenic (1); Uncertain significance (1). Last evaluated 2024-10-22.

Conditions:
Inborn genetic diseases. Identifiers: MedGen C0950123, MeSH D030342.
Neuropathy, hereditary sensory and autonomic, type 2A (HSAN2A). Also called: ACROOSTEOLYSIS, GIACCAI TYPE; ACROOSTEOLYSIS, NEUROGENIC; MORVAN DISEASE; NEUROPATHY, CONGENITAL SENSORY; NEUROPATHY, HEREDITARY SENSORY RADICULAR, AUTOSOMAL RECESSIVE; NEUROPATHY, HEREDITARY SENSORY, TYPE IIA. Identifiers: Orphanet 970, MedGen C2752089, MONDO:0024309, OMIM 201300.
Generalized epilepsy with febrile seizures plus, type 7 (GEFSP7). Also called: GEFS+, TYPE 7. Identifiers: Orphanet 36387, MedGen C2751778, MONDO:0013470, OMIM 613863.

Allele frequency attached by ClinVar (database versions not stated): ExAC 0.00002; gnomAD exomes 0.00002; TOPMed 0.00003; gnomAD 0.00005 and 0.00006.
gnomAD v4.1: 11 of 1,609,344 alleles (0.00068%); highest among the groups gnomAD compares: African/African-American, 0.0094%; no homozygotes.

Submissions (2):

Labcorp Genetics (formerly Invitae), Labcorp
Classification: Uncertain significance for Neuropathy, hereditary sensory and autonomic, type 2A; Generalized epilepsy with febrile seizures plus, type 7. Last evaluated: 2024-10-22. Review status: criteria provided, single submitter. Criteria: Invitae Variant Classification Sherloc (09022015). Collection method: clinical testing. Allele origin: germline.
Comment: This sequence change affects codon 828 of the SCN9A mRNA. It is a 'silent' change, meaning that it does not change the encoded amino acid sequence of the SCN9A protein. This variant also falls at the last nucleotide of exon 15, which is part of the consensus splice site for this exon. The frequency data for this variant in the population databases is considered unreliable, as metrics indicate poor data quality at this position in the gnomAD database. This variant has not been reported in the literature in individuals affected with SCN9A-related conditions. ClinVar contains an entry for this variant (Variation ID: 985286). Variants that disrupt the consensus splice site are a relatively common cause of aberrant splicing (PMID: 17576681, 9536098). Algorithms developed to predict the effect of sequence changes on RNA splicing suggest that this variant may disrupt the consensus splice site. In summary, the available evidence is currently insufficient to determine the role of this variant in disease. Therefore, it has been classified as a Variant of Uncertain Significance.

Ambry Genetics
Classification: Likely pathogenic for Inborn genetic diseases. Last evaluated: 2018-05-18. Review status: criteria provided, single submitter. Criteria: Ambry exome assertion method (8-5-2015). Collection method: clinical testing. Allele origin: germline. Affected: yes. Observed: 1 variant allele.

Literature cited by the submitters: PubMed 17576681 (cited by Labcorp Genetics (formerly Invitae), Labcorp); PubMed 9536098 (cited by Labcorp Genetics (formerly Invitae), Labcorp).